The following is an entry in ClinVar:

ClinVar aggregate classification (germline): Conflicting classifications of pathogenicity. Review status: criteria provided, conflicting classifications (1 of 4 stars). 4 submissions from 4 submitters: Uncertain significance (3); Likely benign (1). Last evaluated 2026-01-14.

Conditions:
DOCK6-related disorder. Also called: DOCK6-related condition.
Adams-Oliver syndrome 2 (AOS2). Identifiers: Orphanet 974, MedGen C3280182, MONDO:0013635, OMIM 614219.

Allele frequency attached by ClinVar (database versions not stated): gnomAD 0.00011 and 0.00013; 1000 Genomes Project 30x 0.00016; ESP Exome Variant Server 0.00016; TOPMed 0.00016; 1000 Genomes Project 0.00020; ExAC 0.00024.
gnomAD v4.1: 272 of 1,613,666 alleles (0.017%); highest among the groups gnomAD compares: Middle Eastern, 0.66%; 1 homozygote.

Submissions (4):

PreventionGenetics, part of Exact Sciences
Classification: Likely benign for DOCK6-related condition. Last evaluated: 2026-01-14. Review status: criteria provided, single submitter. Criteria: ACMG Guidelines, 2015. Collection method: clinical testing. Allele origin: germline.
Comment: This variant is classified as likely benign based on ACMG/AMP sequence variant interpretation guidelines (Richards et al. 2015 PMID: 25741868, with internal and published modifications).

Labcorp Genetics (formerly Invitae), Labcorp
Classification: Uncertain significance. Last evaluated: 2022-10-26. Review status: criteria provided, single submitter. Criteria: Invitae Variant Classification Sherloc (09022015). Collection method: clinical testing. Allele origin: germline.
Comment: This sequence change replaces valine, which is neutral and non-polar, with isoleucine, which is neutral and non-polar, at codon 923 of the DOCK6 protein (p.Val923Ile). This variant is present in population databases (rs143194982, gnomAD 0.2%). This missense change has been observed in individual(s) with Adams-Oliver syndrome (PMID: 29924900). ClinVar contains an entry for this variant (Variation ID: 523599). Advanced modeling of protein sequence and biophysical properties (such as structural, functional, and spatial information, amino acid conservation, physicochemical variation, residue mobility, and thermodynamic stability) performed at Invitae indicates that this missense variant is not expected to disrupt DOCK6 protein function. In summary, the available evidence is currently insufficient to determine the role of this variant in disease. Therefore, it has been classified as a Variant of Uncertain Significance.

Centre of Medical Genetics, University of Antwerp
Classification: Uncertain significance for Adams-Oliver syndrome 2. Last evaluated: 2017-12-01. Review status: criteria provided, single submitter. Criteria: Criteria for classifying variants, Center of Medical Genetics Antwerp, 2018. Collection method: research. Allele origin: unknown. Affected: yes.

Breakthrough Genomics
Classification: Uncertain significance. Review status: criteria provided, single submitter. Criteria: ACMG Guidelines, 2015. Collection method: not provided. Allele origin: germline. Inheritance: Autosomal recessive inheritance. Affected: yes.

Literature cited by the submitters: PubMed 29924900 (cited by Labcorp Genetics (formerly Invitae), Labcorp and Centre of Medical Genetics, University of Antwerp).

NM_020812.4(DOCK6):c.2767G>A (p.Val923Ile)

Gene: DOCK6 (dedicator of cytokinesis 6; minus strand). Cytogenetic location: 19p13.2.
Variant type: single nucleotide variant.
Coding change: c.2767G>A on transcript NM_020812.4 (MANE Select); coding-DNA position 2767, G replaced by A.
Protein change: p.Val923Ile; replaces valine 923 with isoleucine.
Molecular consequence: missense variant.
Genome position (GRCh38, 1-based): chr19:11,228,987, C>T on the plus strand (G>A on the coding strand, the complement: DOCK6 is on the minus strand). VCF-style: chr19-11228987-C-T. GRCh37 (hg19) VCF-style: chr19-11339663-C-T.
Other names: c.2872G>A, p.Val958Ile (NM_001367830.1); short protein forms V923I, V958I.
Identifiers: ClinVar variation 523599 (VCV000523599.6), dbSNP rs143194982, ClinGen allele CA9207496.